The following is an entry in ClinVar:

NM_000059.4(BRCA2):c.808T>G (p.Ser270Ala)

Gene: BRCA2 (BRCA2 DNA repair associated; plus strand). Cytogenetic location: 13q13.1.
Variant type: single nucleotide variant.
Coding change: c.808T>G on transcript NM_000059.4 (MANE Select); coding-DNA position 808, T replaced by G.
Protein change: p.Ser270Ala; replaces serine 270 with alanine.
Molecular consequence: missense variant.
Genome position (GRCh38, 1-based): chr13:32,332,286, T>G. VCF-style: chr13-32332286-T-G. GRCh37 (hg19) VCF-style: chr13-32906423-T-G.
Other names: short protein forms S270A.
Identifiers: ClinVar variation 576614 (VCV000576614.14), dbSNP rs1566222098, ClinGen allele CA387760386.

ClinVar aggregate classification (germline): Conflicting classifications of pathogenicity. Review status: criteria provided, conflicting classifications (1 of 4 stars). 4 submissions from 4 submitters: Uncertain significance (2); Likely benign (2). Last evaluated 2024-09-10.

Conditions:
Hereditary breast ovarian cancer syndrome. Also called: Hereditary breast and ovarian cancer; Breast and ovarian cancer; Hereditary breast and ovarian cancer syndrome; BRCA1- and BRCA2-Associated Hereditary Breast and Ovarian Cancer; Hereditary breast and/or ovarian cancer syndrome; Hereditary breast and ovarian cancer syndrome (HBOC). Identifiers: Orphanet 145, MedGen C0677776, MeSH D061325, MONDO:0003582. Disease mechanism: loss of function.
Hereditary cancer-predisposing syndrome. Also called: Tumor predisposition; Hereditary neoplastic syndrome; Hereditary Cancer Syndrome; Neoplastic Syndromes, Hereditary. Identifiers: Orphanet 140162, MedGen C0027672, MeSH D009386, MONDO:0015356.

Submissions (4):

Ambry Genetics
Classification: Likely benign for Hereditary cancer-predisposing syndrome. Last evaluated: 2024-09-10. Review status: criteria provided, single submitter. Criteria: Ambry Variant Classification Scheme 2023. Collection method: clinical testing. Allele origin: germline.

Women's Health and Genetics/Laboratory Corporation of America, LabCorp
Classification: Uncertain significance. Last evaluated: 2024-02-09. Review status: criteria provided, single submitter. Criteria: LabCorp Variant Classification Summary - May 2015. Collection method: clinical testing. Allele origin: germline.

University of Washington Department of Laboratory Medicine, University of Washington
Classification: Likely benign for Hereditary cancer-predisposing syndrome. Last evaluated: 2023-03-23. Review status: criteria provided, single submitter. Criteria: Dines et al. (Genet Med. 2020). Collection method: curation. Allele origin: germline.
Comment: Missense variant in a coldspot region where missense variants are very unlikely to be pathogenic (PMID:31911673).

BRCA2 exon 10 coldspot. Reclassification based on statistical prior probability.

Labcorp Genetics (formerly Invitae), Labcorp
Classification: Uncertain significance for Hereditary breast ovarian cancer syndrome. Last evaluated: 2022-07-12. Review status: criteria provided, single submitter. Criteria: Invitae Variant Classification Sherloc (09022015). Collection method: clinical testing. Allele origin: germline.
Comment: In summary, the available evidence is currently insufficient to determine the role of this variant in disease. Therefore, it has been classified as a Variant of Uncertain Significance. Advanced modeling of protein sequence and biophysical properties (such as structural, functional, and spatial information, amino acid conservation, physicochemical variation, residue mobility, and thermodynamic stability) performed at Invitae indicates that this missense variant is not expected to disrupt BRCA2 protein function. ClinVar contains an entry for this variant (Variation ID: 576614). This variant has not been reported in the literature in individuals affected with BRCA2-related conditions. This variant is not present in population databases (gnomAD no frequency). This sequence change replaces serine, which is neutral and polar, with alanine, which is neutral and non-polar, at codon 270 of the BRCA2 protein (p.Ser270Ala).